The following is an entry in ClinVar:

NM_001111.5(ADAR):c.1402G>T (p.Ala468Ser)

Gene: ADAR (adenosine deaminase RNA specific; minus strand). Cytogenetic location: 1q21.3.
Variant type: single nucleotide variant.
Coding change: c.1402G>T on transcript NM_001111.5 (MANE Select); coding-DNA position 1402, G replaced by T.
Protein change: p.Ala468Ser; replaces alanine 468 with serine.
Molecular consequence: missense variant.
Genome position (GRCh38, 1-based): chr1:154,601,240, C>A on the plus strand (G>T on the coding strand, the complement: ADAR is on the minus strand). VCF-style: chr1-154601240-C-A. GRCh37 (hg19) VCF-style: chr1-154573716-C-A.
Other names: c.1402G>T, p.Ala468Ser (LRG_1212t1, NM_015840.4, NM_015841.4); c.517G>T, p.Ala173Ser (NM_001025107.3, NM_001193495.2, NM_001365046.1 and 3 more transcripts); c.1429G>T, p.Ala477Ser (NM_001365045.1); short protein forms A468S, A477S, A173S.
Identifiers: ClinVar variation 292778 (VCV000292778.11), dbSNP rs761708272, ClinGen allele CA10607944.
Genomic context (GRCh38, chr1:154,601,240, plus strand): 5'-GCAAGCCATGACTGTAGAAGGAGGGCATCTCCATGATGGCTCGAAACTCACCTGGTGCTG[C>A]GCGGATACTATTCAAGTCATCTGGGATGTCATCTGTGGCCCACTGGCCATTTTCAAAGTC-3'
Protein context (NP_001102.3, residues 458-478): DIPDDLNSIR[Ala468Ser]APGEFRAIME

ClinVar aggregate classification (germline): Uncertain significance. Review status: criteria provided, multiple submitters, no conflicts (2 of 4 stars). 3 submissions from 3 submitters: Uncertain significance (3). Last evaluated 2023-04-11.

Conditions:
Aicardi-Goutieres syndrome 6 (AGS6). Identifiers: Orphanet 51, MedGen C3539013, MONDO:0014007, OMIM 615010.
Symmetrical dyschromatosis of extremities (DSH). Also called: Dyschromatosis symmetrica hereditaria; RETICULATE ACROPIGMENTATION OF DOHI; SYMMETRIC DYSCHROMATOSIS OF THE EXTREMITIES; DYSCHROMATOSIS SYMMETRICA HEREDITARIA 1. Identifiers: Orphanet 41, MedGen C0406775, MONDO:0007483, OMIM 127400.

gnomAD v4.1: 3 of 1,614,226 alleles (0.00019%); highest among the groups gnomAD compares: Non-Finnish European, 0.00025%; no homozygotes.

Submissions (3):

Genome-Nilou Lab
Classification: Uncertain significance for Aicardi-Goutieres syndrome 6. Last evaluated: 2023-04-11. Review status: criteria provided, single submitter. Criteria: ACMG Guidelines, 2015. Collection method: clinical testing. Allele origin: germline. Affected: no.

Labcorp Genetics (formerly Invitae), Labcorp
Classification: Uncertain significance for Aicardi-Goutieres syndrome 6; Symmetrical dyschromatosis of extremities. Last evaluated: 2021-09-07. Review status: criteria provided, single submitter. Criteria: Invitae Variant Classification Sherloc (09022015). Collection method: clinical testing. Allele origin: germline.
Comment: This sequence change replaces alanine with serine at codon 468 of the ADAR protein (p.Ala468Ser). The alanine residue is weakly conserved and there is a moderate physicochemical difference between alanine and serine. This variant is not present in population databases (ExAC no frequency). This variant has not been reported in the literature in individuals affected with ADAR-related conditions. ClinVar contains an entry for this variant (Variation ID: 292778). Algorithms developed to predict the effect of missense changes on protein structure and function output the following: SIFT: "Tolerated"; PolyPhen-2: "Benign"; Align-GVGD: "Class C0". The serine amino acid residue is found in multiple mammalian species, which suggests that this missense change does not adversely affect protein function. In summary, the available evidence is currently insufficient to determine the role of this variant in disease. Therefore, it has been classified as a Variant of Uncertain Significance.

Illumina Laboratory Services, Illumina
Classification: Uncertain significance for Symmetrical dyschromatosis of extremities. Last evaluated: 2018-01-12. Review status: criteria provided, single submitter. Criteria: ICSL Variant Classification Criteria 13 December 2019. Collection method: clinical testing. Allele origin: germline.